The following is an entry in ClinVar:

ClinVar aggregate classification (germline): Likely pathogenic (1 of 4 stars; one submission).

Conditions:
Intellectual developmental disorder with dysmorphic facies and behavioral abnormalities. Identifiers: MedGen C4748135, MONDO:0060760, OMIM 618089.

Submission:

Institute of Human Genetics, University of Leipzig Medical Center
Classification: Likely pathogenic for Intellectual developmental disorder with dysmorphic facies and behavioral abnormalities. Last evaluated: 2023-01-16. Review status: criteria provided, single submitter. Criteria: ACMG Guidelines, 2015. Collection method: clinical testing. Allele origin: de novo. Inheritance: Autosomal dominant inheritance. Affected: yes.
Comment: Criteria applied: PS2,PVS1_MOD,PM1,PM2_SUP

NM_001190274.2(FBXO11):c.2084-93_2084-1del

Gene: FBXO11 (F-box protein 11; minus strand). Cytogenetic location: 2p16.3.
Variant type: Deletion.
Coding change: c.2084-93_2084-1del on transcript NM_001190274.2 (MANE Select); 93 bases into the intron before coding-DNA position 2084 through the canonical splice acceptor site of the intron before coding-DNA position 2084, 93 bases deleted.
Molecular consequence: splice acceptor variant.
Genome position (GRCh38, 1-based): chr2:47,813,378-47,813,470, 93 bases deleted. GRCh37 (hg19): chr2:48,040,518-48,040,610.
Other names: c.1832-93_1832-1del (NM_001374325.1, NM_025133.4).
Identifiers: ClinVar variation 2430268 (VCV002430268.3), dbSNP rs2531003767, ClinGen allele CA2580066936.